The following is an entry in ClinVar:

NM_003482.4(KMT2D):c.9805C>T (p.Gln3269Ter)

Gene: KMT2D (lysine methyltransferase 2D; minus strand). Cytogenetic location: 12q13.12.
Variant type: single nucleotide variant.
Coding change: c.9805C>T on transcript NM_003482.4 (MANE Select); coding-DNA position 9805, C replaced by T.
Protein change: p.Gln3269Ter; replaces glutamine 3269 with a stop codon.
Molecular consequence: nonsense.
Genome position (GRCh38, 1-based): chr12:49,037,551, G>A on the plus strand (C>T on the coding strand, the complement: KMT2D is on the minus strand). VCF-style: chr12-49037551-G-A. GRCh37 (hg19) VCF-style: chr12-49431334-G-A.
Other names: short protein forms Q3269*.
Identifiers: ClinVar variation 3340171 (VCV003340171.1).

ClinVar aggregate classification (germline): Pathogenic (1 of 4 stars; one submission).

Submission:

GeneDx
Classification: Pathogenic. Last evaluated: 2023-12-26. Review status: criteria provided, single submitter. Criteria: GeneDx Variant Classification Process June 2021. Collection method: clinical testing. Allele origin: germline. Affected: yes.
Comment: Reported in an individual with Kabuki syndrome (PMID: 22126750); Nonsense variant predicted to result in protein truncation or nonsense mediated decay in a gene for which loss of function is a known mechanism of disease; Not observed at significant frequency in large population cohorts (gnomAD); This variant is associated with the following publications: (PMID: 22126750)